The following is an entry in ClinVar:

NM_000628.5(IL10RB):c.131C>T (p.Ala44Val)

Genes: IFNAR2-IL10RB (IFNAR2-IL10RB readthrough; plus strand), IL10RB (interleukin 10 receptor subunit beta; plus strand). Cytogenetic location: 21q22.11.
Variant type: single nucleotide variant.
Coding change: c.131C>T on transcript NM_000628.5 (MANE Select); coding-DNA position 131, C replaced by T.
Protein change: p.Ala44Val; replaces alanine 44 with valine.
Molecular consequence: missense variant.
Genome position (GRCh38, 1-based): chr21:33,268,475, C>T. VCF-style: chr21-33268475-C-T. GRCh37 (hg19) VCF-style: chr21-34640780-C-T.
Other names: short protein forms A44V.
Identifiers: ClinVar variation 339692 (VCV000339692.15), dbSNP rs182073431, ClinGen allele CA10006072.

ClinVar aggregate classification (germline): Benign/Likely benign. Review status: criteria provided, multiple submitters, no conflicts (2 of 4 stars). 3 submissions from 3 submitters: Benign (1); Likely benign (1). 1 of the submissions does not count toward it. Last evaluated 2025-11-09.

Conditions:
IL10RB-related disorder. Also called: IL10RB-related condition.
Inflammatory bowel disease 25. Also called: Inflammatory bowel disease 25, early onset, autosomal recessive. Identifiers: Orphanet 238569, MedGen C2675508, MONDO:0012941, OMIM 612567.

Allele frequency attached by ClinVar (database versions not stated): ESP Exome Variant Server 0.00008; gnomAD 0.00014 and 0.00019; TOPMed 0.00021; ExAC 0.00037; gnomAD exomes 0.00042; 1000 Genomes Project 30x 0.00094; 1000 Genomes Project 0.00120.
gnomAD v4.1: 223 of 1,614,120 alleles (0.014%); highest among the groups gnomAD compares: East Asian, 0.45%; 1 homozygote.

Submissions (3):

Labcorp Genetics (formerly Invitae), Labcorp
Classification: Benign for Inflammatory bowel disease 25. Last evaluated: 2025-11-09. Review status: criteria provided, single submitter. Criteria: Invitae Variant Classification Sherloc (09022015). Collection method: clinical testing. Allele origin: germline.

Illumina Laboratory Services, Illumina
Classification: Likely benign for Inflammatory bowel disease 25. Last evaluated: 2018-01-12. Review status: criteria provided, single submitter. Criteria: ICSL Variant Classification Criteria 13 December 2019. Collection method: clinical testing. Allele origin: germline.
Comment: This variant was observed in the ICSL laboratory as part of a predisposition screen in an ostensibly healthy population. It had not been previously curated by ICSL or reported in the Human Gene Mutation Database (HGMD: prior to June 1st, 2018), and was therefore a candidate for classification through an automated scoring system. Utilizing variant allele frequency, disease prevalence and penetrance estimates, and inheritance mode, an automated score was calculated to assess if this variant is too frequent to cause the disease. Based on the score and internal cut-off values, a variant classified as likely benign is not then subjected to further curation. The score for this variant resulted in a classification of likely benign for this disease.

PreventionGenetics, part of Exact Sciences
Classification: Likely benign for IL10RB-related condition. Last evaluated: 2019-12-09. Review status: no assertion criteria provided. Collection method: clinical testing. Allele origin: germline. Not counted in ClinVar's aggregate classification.
Comment: This variant is classified as likely benign based on ACMG/AMP sequence variant interpretation guidelines (Richards et al. 2015 PMID: 25741868, with internal and published modifications).